The following is an entry in ClinVar:

ClinVar aggregate classification (germline): Uncertain significance (1 of 4 stars; one submission).

Conditions:
Hereditary cancer-predisposing syndrome. Also called: Hereditary neoplastic syndrome; Hereditary Cancer Syndrome; Neoplastic Syndromes, Hereditary; Tumor predisposition. Identifiers: Orphanet 140162, MedGen C0027672, MeSH D009386, MONDO:0015356.

Submission:

Ambry Genetics
Classification: Uncertain significance for Hereditary cancer-predisposing syndrome. Last evaluated: 2023-04-28. Review status: criteria provided, single submitter. Criteria: Ambry Variant Classification Scheme 2023. Collection method: clinical testing. Allele origin: germline.
Comment: The p.P493L variant (also known as c.1478C>T), located in coding exon 14 of the NF2 gene, results from a C to T substitution at nucleotide position 1478. The proline at codon 493 is replaced by leucine, an amino acid with similar properties. This amino acid position is conserved. In addition, this alteration is predicted to be tolerated by in silico analysis. Since supporting evidence is limited at this time, the clinical significance of this alteration remains unclear.

NM_000268.4(NF2):c.1478C>T (p.Pro493Leu)

Gene: NF2 (NF2, moesin-ezrin-radixin like (MERLIN) tumor suppressor; plus strand). Cytogenetic location: 22q12.2.
Variant type: single nucleotide variant.
Coding change: c.1478C>T on transcript NM_000268.4 (MANE Select); coding-DNA position 1478, C replaced by T.
Protein change: p.Pro493Leu; replaces proline 493 with leucine.
Molecular consequence: missense variant. On other transcripts: non-coding transcript variant (1), intron variant (1).
Genome position (GRCh38, 1-based): chr22:29,678,227, C>T. VCF-style: chr22-29678227-C-T. GRCh37 (hg19) VCF-style: chr22-30074216-C-T.
Other names: c.1364C>T, p.Pro455Leu (NM_001407053.1, NM_001407056.1); c.1355C>T, p.Pro452Leu (NM_001407054.1, NM_001407058.1, NM_181829.3); c.1352C>T, p.Pro451Leu (NM_001407055.1, NM_181828.3); c.1343C>T, p.Pro448Leu (NM_001407057.1, NM_001407059.1); c.1478C>T, p.Pro493Leu (NM_001407060.1, NM_001407066.1, NM_016418.5 and 2 more transcripts); c.1220C>T, p.Pro407Leu (NM_001407062.1); c.1229C>T, p.Pro410Leu (NM_001407063.1, NM_001407064.1, NM_181830.3 and 1 more transcripts); c.944C>T, p.Pro315Leu (NM_001407065.1); and 2 more; short protein forms P315L, P416L, P451L, P407L, P493L, P452L, P410L, P448L.
Identifiers: ClinVar variation 2568065 (VCV002568065.2), dbSNP rs2518712013, ClinGen allele CA411149600.
Genomic context (GRCh38, chr22:29,678,227, plus strand): 5'-GCTCCTAATCCGAAATTTCTCATTAACAGCCCATGAACCCAATTCCAGCACCGTTGCCTC[C>T]TGACATACCAAGCTTCAACCTCATTGGTGACAGCCTGTCTTTCGACTTCAAAGATACTGA-3'
Protein context (NP_000259.1, residues 483-503): PMNPIPAPLP[Pro493Leu]DIPSFNLIGD